The following is an entry in ClinVar:

ClinVar aggregate classification (germline): Pathogenic (1 of 4 stars; one submission).

Conditions:
Retinoblastoma (RB1). Also called: RETINOBLASTOMA, SOMATIC. Identifiers: Orphanet 790, MedGen C0035335, MeSH D012175, MONDO:0008380, OMIM 180200, HP:0009919. Disease mechanism: loss of function. Inheritance: Both sporadic and heritable forms are tested..

Submission:

Genetic Diagnostic Laboratory, University of Pennsylvania School of Medicine
Classification: Pathogenic for Retinoblastoma. Last evaluated: 2024-05-20. Review status: criteria provided, single submitter. Criteria: ACMG Guidelines, 2015. Collection method: clinical testing. Allele origin: germline. Affected: yes. Observed: 1 variant allele.
Comment: Case and Pedigree Information: BILATERAL CASES:1, UNILATERAL CASES:0, TOTAL CASES:1, PEDIGREES:1. ACMG Codes Applied:PVS1, PM2

NM_000321.3(RB1):c.1332+2T>G

Gene: RB1 (RB transcriptional corepressor 1; plus strand). Cytogenetic location: 13q14.2.
Variant type: single nucleotide variant.
Coding change: c.1332+2T>G on transcript NM_000321.3 (MANE Select); the canonical splice donor site of the intron after coding-DNA position 1332, T replaced by G.
Molecular consequence: splice donor variant.
Genome position (GRCh38, 1-based): chr13:48,377,036, T>G. VCF-style: chr13-48377036-T-G. GRCh37 (hg19) VCF-style: chr13-48951172-T-G.
Other names: c.1332+2T>G (NM_001407165.1, NM_001407166.1).
Identifiers: ClinVar variation 3236974 (VCV003236974.1), dbSNP rs2138136840.
Genomic context (GRCh38, chr13:48,377,036, plus strand): 5'-TCTTTAAAGAGAAATTTGCTAAAGCTGTGGGACAGGGTTGTGTCGAAATTGGATCACAGG[T>G]AACTTGAATTCATTGTAATTCGTGGTACTATAGAGTAATAATATTAAAAGCAGCATCTTT-3'